The following is an entry in ClinVar:

NM_000440.3(PDE6A):c.2274+5G>A

Gene: PDE6A (phosphodiesterase 6A; minus strand). Cytogenetic location: 5q32.
Variant type: single nucleotide variant.
Coding change: c.2274+5G>A on transcript NM_000440.3 (MANE Select); 5 bases into the intron after coding-DNA position 2274, G replaced by A.
Molecular consequence: intron variant.
Genome position (GRCh38, 1-based): chr5:149,867,720, C>T on the plus strand (G>A on the coding strand, the complement: PDE6A is on the minus strand). VCF-style: chr5-149867720-C-T. GRCh37 (hg19) VCF-style: chr5-149247283-C-T.
Identifiers: ClinVar variation 2088124 (VCV002088124.4), dbSNP rs1760382600, ClinGen allele CA2580073856.

ClinVar aggregate classification (germline): Uncertain significance (1 of 4 stars; one submission).

Submission:

Labcorp Genetics (formerly Invitae), Labcorp
Classification: Uncertain significance. Last evaluated: 2022-10-24. Review status: criteria provided, single submitter. Criteria: Invitae Variant Classification Sherloc (09022015). Collection method: clinical testing. Allele origin: germline.
Comment: In summary, the available evidence is currently insufficient to determine the role of this variant in disease. Therefore, it has been classified as a Variant of Uncertain Significance. Variants that disrupt the consensus splice site are a relatively common cause of aberrant splicing (PMID: 17576681, 9536098). Algorithms developed to predict the effect of sequence changes on RNA splicing suggest that this variant may disrupt the consensus splice site. This variant has not been reported in the literature in individuals affected with PDE6A-related conditions. This variant is not present in population databases (gnomAD no frequency). This sequence change falls in intron 19 of the PDE6A gene. It does not directly change the encoded amino acid sequence of the PDE6A protein. It affects a nucleotide within the consensus splice site.

Literature cited by the submitters: PubMed 17576681; PubMed 9536098.